The following is an entry in ClinVar:

ClinVar aggregate classification (germline): Conflicting classifications of pathogenicity. Review status: criteria provided, conflicting classifications (1 of 4 stars). 3 submissions from 3 submitters: Uncertain significance (2); Likely benign (1). Last evaluated 2025-03-11.

Conditions:
Neuronopathy, distal hereditary motor, type 7A. Also called: HMN VIIA; SPINAL MUSCULAR ATROPHY, DISTAL, WITH VOCAL CORD PARALYSIS; Neuronopathy, distal hereditary motor, autosomal dominant 7; Neuronopathy, distal hereditary motor, type viia; NEURONOPATHY, DISTAL HEREDITARY MOTOR, HARDING TYPE VIIA; NEUROPATHY, DISTAL HEREDITARY MOTOR, HARDING TYPE VIIA. Identifiers: Orphanet 139589, MedGen C1834703, MONDO:0008024, OMIM 158580.
Congenital myasthenic syndrome 20. Also called: Myasthenic syndrome, congenital, 20, presynaptic. Identifiers: MedGen C4310694, MONDO:0014939, OMIM 617143.
Inborn genetic diseases. Identifiers: MedGen C0950123, MeSH D030342.

Allele frequency attached by ClinVar (database versions not stated): gnomAD 0.00001; TOPMed 0.00003; ExAC 0.00004; gnomAD exomes 0.00004; 1000 Genomes Project 30x 0.00031; 1000 Genomes Project 0.00040.
gnomAD v4.1: 63 of 1,614,020 alleles (0.0039%); highest among the groups gnomAD compares: East Asian, 0.14%; no homozygotes.

Submissions (3):

Labcorp Genetics (formerly Invitae), Labcorp
Classification: Uncertain significance for Neuronopathy, distal hereditary motor, type 7A; Congenital myasthenic syndrome 20. Last evaluated: 2025-03-11. Review status: criteria provided, single submitter. Criteria: Invitae Variant Classification Sherloc (09022015). Collection method: clinical testing. Allele origin: germline.
Comment: This sequence change replaces lysine, which is basic and polar, with threonine, which is neutral and polar, at codon 499 of the SLC5A7 protein (p.Lys499Thr). This variant is present in population databases (rs200286711, gnomAD 0.06%). This variant has not been reported in the literature in individuals affected with SLC5A7-related conditions. ClinVar contains an entry for this variant (Variation ID: 945469). Invitae Evidence Modeling of protein sequence and biophysical properties (such as structural, functional, and spatial information, amino acid conservation, physicochemical variation, residue mobility, and thermodynamic stability) indicates that this missense variant is not expected to disrupt SLC5A7 protein function with a negative predictive value of 80%. In summary, the available evidence is currently insufficient to determine the role of this variant in disease. Therefore, it has been classified as a Variant of Uncertain Significance.

Revvity Omics, Revvity
Classification: Uncertain significance. Last evaluated: 2021-05-06. Review status: criteria provided, single submitter. Criteria: ACMG Guidelines, 2015. Collection method: clinical testing. Allele origin: germline.

Ambry Genetics
Classification: Likely benign for Inborn genetic diseases. Last evaluated: 2019-12-19. Review status: criteria provided, single submitter. Criteria: Ambry Variant Classification Scheme 2023. Collection method: clinical testing. Allele origin: germline.

NM_021815.5(SLC5A7):c.1496A>C (p.Lys499Thr)

Gene: SLC5A7 (solute carrier family 5 member 7; plus strand). Cytogenetic location: 2q12.3.
Variant type: single nucleotide variant.
Coding change: c.1496A>C on transcript NM_021815.5 (MANE Select); coding-DNA position 1496, A replaced by C.
Protein change: p.Lys499Thr; replaces lysine 499 with threonine.
Molecular consequence: missense variant.
Genome position (GRCh38, 1-based): chr2:108,010,614, A>C. VCF-style: chr2-108010614-A-C. GRCh37 (hg19) VCF-style: chr2-108627070-A-C.
Other names: c.1496A>C, p.Lys499Thr (NM_001305005.3); c.1181A>C, p.Lys394Thr (NM_001305006.3); c.755A>C, p.Lys252Thr (NM_001305007.3); short protein forms K252T, K499T, K394T.
Identifiers: ClinVar variation 945469 (VCV000945469.11), dbSNP rs200286711, ClinGen allele CA1819185.